The following is an entry in ClinVar:

NM_001374828.1(ARID1B):c.4479+5G>A

Gene: ARID1B (AT-rich interaction domain 1B; plus strand). Cytogenetic location: 6q25.3.
Variant type: single nucleotide variant.
Coding change: c.4479+5G>A on transcript NM_001374828.1 (MANE Select); 5 bases into the intron after coding-DNA position 4479, G replaced by A.
Molecular consequence: intron variant.
Genome position (GRCh38, 1-based): chr6:157,198,912, G>A. VCF-style: chr6-157198912-G-A. GRCh37 (hg19) VCF-style: chr6-157520046-G-A.
Other names: c.4110+5G>A (NM_020732.3); c.4359+5G>A (NM_001371656.1, NM_001374820.1); c.4320+5G>A (NM_017519.3); c.1980+5G>A (NM_001363725.2).
Identifiers: ClinVar variation 1737920 (VCV001737920.2), dbSNP rs2128366768, ClinGen allele CA2580075308.
Genomic context (GRCh38, chr6:157,198,912, plus strand): 5'-CCTCGGGACAGCCGCCGTATGGAGGGCACCAGCCCGGCCTGTACCCACAGCAGCCGGTGA[G>A]TTGGCAAGTGGGCGTGGGGTGCTGTGTTTTCTGGTTCTGTCCTGGAGGCTAAAACTCAAA-3'

ClinVar aggregate classification (germline): Likely pathogenic (1 of 4 stars; one submission).

Conditions:
Inborn genetic diseases. Identifiers: MedGen C0950123, MeSH D030342.

Submission:

Ambry Genetics
Classification: Likely pathogenic for Inborn genetic diseases. Last evaluated: 2019-01-23. Review status: criteria provided, single submitter. Criteria: Ambry Variant Classification Scheme 2023. Collection method: clinical testing. Allele origin: germline.
Comment: The c.4110+5G>A intronic variant results from a G to A substitution 5 nucleotides after coding exon 17 in the ARID1B gene. Two different alterations located at the same consensus splice donor site, c.4110G>A and c.4110+1G>A, were detected de novo in individuals with ARID1B-related neurodevelopmental disorder (Hoyer J et al. Am. J. Hum. Genet., 2012 Mar;90:565-72; Mignot C et al. Brain, 2016 11;139:e64; Natsume T et al. Pediatr Int, 2018 Apr;60:378-380; Zweier M et al. Am. J. Med. Genet. A, 2017 May;173:1440-1443). This nucleotide position is highly conserved in available vertebrate species. Using the BDGP and ESEfinder splice site prediction tools, this alteration is predicted to weaken the efficiency of the native splice donor site; however, direct evidence is unavailable. Based on the majority of available evidence to date, this variant is likely to be pathogenic.

Literature cited by the submitters: PubMed 22405089; PubMed 27474218; PubMed 28323383; PubMed 29504208.